The following is an entry in ClinVar:

NM_004646.4(NPHS1):c.651_652del (p.Cys217_Glu218delinsTer)

Gene: NPHS1 (NPHS1 adhesion molecule, nephrin; minus strand). Cytogenetic location: 19q13.12.
Variant type: Microsatellite.
Coding change: c.651_652del on transcript NM_004646.4 (MANE Select); coding-DNA positions 651 to 652, 2 bases deleted (TG; older notation c.651_652delTG).
Protein change: p.Cys217_Glu218delinsTer.
Molecular consequence: nonsense.
Genome position (GRCh38, 1-based): chr19:35,849,610-35,849,611, CA deleted on the plus strand (TG on the coding strand, the reverse complement: NPHS1 is on the minus strand); deleting any 2 consecutive bases within chr19:35,849,610-35,849,613 gives the same sequence; the c. name uses the placement nearest the transcript's 3' end. VCF-style (leftmost placement, unchanged base first): chr19-35849609-TCA-T. GRCh37 (hg19) VCF-style: chr19-36340511-TCA-T.
Other names: c.651_652delTG (NM_004646.4).
Identifiers: ClinVar variation 3366727 (VCV003366727.1).

ClinVar aggregate classification (germline): Pathogenic (1 of 4 stars; one submission).

Conditions:
Finnish congenital nephrotic syndrome (NPHS1). Also called: NEPHROTIC SYNDROME, TYPE 1. Identifiers: Orphanet 839, MedGen C0403399, MONDO:0009732, OMIM 256300.

Submission:

Women's Health and Genetics/Laboratory Corporation of America, LabCorp
Classification: Pathogenic for Finnish congenital nephrotic syndrome. Last evaluated: 2024-08-19. Review status: criteria provided, single submitter. Criteria: LabCorp Variant Classification Summary - May 2015. Collection method: clinical testing. Allele origin: germline.
Comment: Variant summary: NPHS1 c.651_652delTG (p.Cys217X) results in a premature termination codon, predicted to cause a truncation of the encoded protein or absence of the protein due to nonsense mediated decay, which are commonly known mechanisms for disease. The variant was absent in 251412 control chromosomes. c.651_652delTG has been reported in the literature in individuals affected with Nephrotic Syndrome, Type 1 (Fylaktou_2013). To our knowledge, no experimental evidence demonstrating an impact on protein function has been reported. The following publication have been ascertained in the context of this evaluation (PMID: 24371179). No submitters have cited clinical-significance assessments for this variant to ClinVar. Based on the evidence outlined above, the variant was classified as pathogenic.

Literature cited by the submitters: PubMed 24371179.